The following is an entry in ClinVar:

NM_000053.4(ATP7B):c.2278C>T (p.Pro760Ser)

Gene: ATP7B (ATPase copper transporting beta; minus strand). Cytogenetic location: 13q14.3.
Variant type: single nucleotide variant.
Coding change: c.2278C>T on transcript NM_000053.4 (MANE Select); coding-DNA position 2278, C replaced by T.
Protein change: p.Pro760Ser; replaces proline 760 with serine.
Molecular consequence: missense variant. On other transcripts: intron variant (14).
Genome position (GRCh38, 1-based): chr13:51,958,388, G>A on the plus strand (C>T on the coding strand, the complement: ATP7B is on the minus strand). VCF-style: chr13-51958388-G-A. GRCh37 (hg19) VCF-style: chr13-52532524-G-A.
Other names: c.1945C>T, p.Pro649Ser (NM_001243182.2); c.2026C>T, p.Pro676Ser (NM_001330579.2, NM_001406531.1, NM_001406532.1 and 1 more transcripts); c.2278C>T, p.Pro760Ser (NM_001406511.1, NM_001406512.1, NM_001406513.1 and 7 more transcripts); c.2245C>T, p.Pro749Ser (NM_001406514.1); c.2182C>T, p.Pro728Ser (NM_001406517.1, NM_001406518.1); c.2134C>T, p.Pro712Ser (NM_001406520.1, NM_001406521.1, NM_001406522.1 and 1 more transcripts); c.2101C>T, p.Pro701Ser (NM_001406524.1); c.2038C>T, p.Pro680Ser (NM_001406530.1); and 8 more; short protein forms P617S, P644S, P649S, P676S, P680S, P701S, P712S, P728S.
Identifiers: ClinVar variation 3895637 (VCV003895637.1).
Genomic context (GRCh38, chr13:51,958,388, plus strand): 5'-GCCACCGGCCCAGGGCAATGAACACAAAGAGCATGGGGGGCGTGTCGAAGAATGTCACAG[G>A]GCTCCTCTCCGCCTTCTCAGCCACAGCAACCACCAGGATGACCAGAGAATAAACATAAGC-3'
Protein context (NP_000044.2, residues 750-770): VAVAEKAERS[Pro760Ser]VTFFDTPPML

ClinVar aggregate classification (germline): Uncertain significance (1 of 4 stars; one submission).

gnomAD v4.1: 2 of 1,614,202 alleles (0.00012%); highest among the groups gnomAD compares: Non-Finnish European, 0.00017%; no homozygotes.

Submission:

Women's Health and Genetics/Laboratory Corporation of America, LabCorp
Classification: Uncertain significance. Last evaluated: 2025-03-14. Review status: criteria provided, single submitter. Criteria: LabCorp Variant Classification Summary - May 2015. Collection method: clinical testing. Allele origin: germline.
Comment: Variant summary: ATP7B c.2278C>T (p.Pro760Ser) results in a non-conservative amino acid change in the encoded protein sequence. Five of five in-silico tools predict a damaging effect of the variant on protein function. The variant was absent in 249582 control chromosomes (gnomAD). c.2278C>T has been reported in the literature in individuals affected with Wilson Disease (e.g. Liu_2022, Zhang_2022). These data indicate that the variant may be associated with disease. To our knowledge, no experimental evidence demonstrating an impact on protein function has been reported. The following publications have been ascertained in the context of this evaluation (PMID: 35446965, 35220961). No submitters have cited clinical-significance assessments for this variant to ClinVar. Based on the evidence outlined above, the variant was classified as VUS-possibly pathogenic.

Literature cited by the submitters: PubMed 35220961; PubMed 35446965.